The following is an entry in ClinVar:

NM_000214.3(JAG1):c.868G>T (p.Gly290Cys)

Gene: JAG1 (jagged canonical Notch ligand 1; minus strand). Cytogenetic location: 20p12.2.
Variant type: single nucleotide variant.
Coding change: c.868G>T on transcript NM_000214.3 (MANE Select); coding-DNA position 868, G replaced by T.
Protein change: p.Gly290Cys; replaces glycine 290 with cysteine.
Molecular consequence: missense variant.
Genome position (GRCh38, 1-based): chr20:10,652,486, C>A on the plus strand (G>T on the coding strand, the complement: JAG1 is on the minus strand). VCF-style: chr20-10652486-C-A. GRCh37 (hg19) VCF-style: chr20-10633134-C-A.
Other names: short protein forms G290C.
Identifiers: ClinVar variation 3573389 (VCV003573389.2).
Genomic context (GRCh38, chr20:10,652,486, plus strand): 5'-ACCCCCAGATCCCACCCTGGGTCTCATCCCTAAGGGCCATACCTTTGTCACAGAGCTGGC[C>A]GCCCCAGTTGGTCTCACAGAGGCACTGCCAGGGCTCATTACAGATGCCGTGGACGCATCC-3'
Protein context (NP_000205.1, residues 280-300): WQCLCETNWG[Gly290Cys]QLCDKDLNYC

Conditions:
Arteriohepatic dysplasia. Also called: Alagille Syndrome. Identifiers: Orphanet 52, MedGen C0085280, MeSH D016738, MONDO:0007318.

Submission:

Gilbert/Spinner Lab, Children's Hospital of Philadelphia
No classification provided (evidence only). Condition: Alagille syndrome. Review status: no classification provided. Collection method: research. Allele origin: not applicable. Functional consequence: functionally_abnormal.
ClinVar note: "not provided" was previously submitted as the classification for the variant. However, the classification appeared to be based only on an observation of functional data so it was converted to no classification on 2025-07-30.